The following is an entry in ClinVar:

NM_004447.6(EPS8):c.2077G>A (p.Glu693Lys)

Gene: EPS8 (EGFR pathway substrate 8, signaling adaptor; minus strand). Cytogenetic location: 12p12.3.
Variant type: single nucleotide variant.
Coding change: c.2077G>A on transcript NM_004447.6 (MANE Select); coding-DNA position 2077, G replaced by A.
Protein change: p.Glu693Lys; replaces glutamic acid 693 with lysine.
Molecular consequence: missense variant.
Genome position (GRCh38, 1-based): chr12:15,624,375, C>T on the plus strand (G>A on the coding strand, the complement: EPS8 is on the minus strand). VCF-style: chr12-15624375-C-T. GRCh37 (hg19) VCF-style: chr12-15777309-C-T.
Other names: c.1837G>A, p.Glu613Lys (NM_001413836.1, NM_001413835.1); c.1660G>A, p.Glu554Lys (NM_001413837.1); c.1297G>A, p.Glu433Lys (NM_001413838.1); c.2113G>A, p.Glu705Lys (NM_001413831.1); c.2077G>A, p.Glu693Lys (NM_001413832.1, NM_001413833.1, NM_001413834.1); short protein forms E433K, E705K, E613K, E554K, E693K.
Identifiers: ClinVar variation 1966116 (VCV001966116.5), dbSNP rs1447663801, ClinGen allele CA384023346.

ClinVar aggregate classification (germline): Uncertain significance (1 of 4 stars; one submission).

Allele frequency attached by ClinVar (database versions not stated): gnomAD exomes below 0.00001; gnomAD 0.00001; TOPMed 0.00001.
gnomAD v4.1: 2 of 1,579,576 alleles (0.00013%); highest among the groups gnomAD compares: Non-Finnish European, 0.00017%; no homozygotes.

Submission:

Labcorp Genetics (formerly Invitae), Labcorp
Classification: Uncertain significance. Last evaluated: 2022-08-09. Review status: criteria provided, single submitter. Criteria: Invitae Variant Classification Sherloc (09022015). Collection method: clinical testing. Allele origin: germline.
Comment: This sequence change replaces glutamic acid, which is acidic and polar, with lysine, which is basic and polar, at codon 693 of the EPS8 protein (p.Glu693Lys). This variant is not present in population databases (gnomAD no frequency). This variant has not been reported in the literature in individuals affected with EPS8-related conditions. Algorithms developed to predict the effect of missense changes on protein structure and function are either unavailable or do not agree on the potential impact of this missense change (SIFT: "Not Available"; PolyPhen-2: "Probably Damaging"; Align-GVGD: "Not Available"). In summary, the available evidence is currently insufficient to determine the role of this variant in disease. Therefore, it has been classified as a Variant of Uncertain Significance.